The following is an entry in ClinVar:

ClinVar aggregate classification (germline): Pathogenic. Review status: criteria provided, multiple submitters, no conflicts (2 of 4 stars). 8 submissions from 7 submitters: Pathogenic (7). 1 of the submissions does not count toward it. Last evaluated 2025-04-16.

Conditions:
Retinitis pigmentosa 39 (RP39). Identifiers: Orphanet 791, MedGen C3151138, MONDO:0013436, OMIM 613809.
Usher syndrome type 2A. Also called: RETINAL DISEASE IN USHER SYNDROME TYPE IIA, MODIFIER OF; USHER SYNDROME, TYPE IIA. Identifiers: Orphanet 231178, Orphanet 886, MedGen C1848634, MONDO:0010169, OMIM 276901.
Retinal dystrophy. Also called: Inherited retinal dystrophy. Identifiers: Orphanet 71862, MedGen C0854723, MeSH D058499, MONDO:0019118, HP:0000556.

Allele frequency attached by ClinVar (database versions not stated): gnomAD exomes below 0.00001; TOPMed below 0.00001; ExAC 0.00001; gnomAD 0.00001.
gnomAD v4.1: 4 of 1,613,942 alleles (0.00025%); highest among the groups gnomAD compares: Non-Finnish European, 0.00034%; no homozygotes.

Submissions (8):

Labcorp Genetics (formerly Invitae), Labcorp
Classification: Pathogenic. Last evaluated: 2025-04-16. Review status: criteria provided, single submitter. Criteria: Invitae Variant Classification Sherloc (09022015). Collection method: clinical testing. Allele origin: germline.
Comment: This sequence change creates a premature translational stop signal (p.Trp2945*) in the USH2A gene. It is expected to result in an absent or disrupted protein product. Loss-of-function variants in USH2A are known to be pathogenic (PMID: 10729113, 10909849, 20507924, 25649381). This variant is present in population databases (rs760302201, gnomAD 0.0009%). This premature translational stop signal has been observed in individual(s) with USH2A-related conditions (PMID: 20507924, 31266775, 33576794). ClinVar contains an entry for this variant (Variation ID: 557801). Algorithms developed to predict the effect of sequence changes on RNA splicing suggest that this variant may create or strengthen a splice site. For these reasons, this variant has been classified as Pathogenic.

Natera, Inc.
Classification: Pathogenic for Usher syndrome type 2A. Last evaluated: 2024-08-18. Review status: criteria provided, single submitter. Criteria: Natera Variant Classification Schema (03/2026). Collection method: clinical testing. Allele origin: germline.
Comment: The c.8834G>A variant in USH2A is a nonsense variant predicted to introduce a stop codon at amino acid 2945. This variant is expected to result in nonsense mediated decay, truncation, or a dysfunctional protein product. This variant is rare in the general population with a frequency below the threshold expected for the associated phenotype(s). This variant has been observed in one or more individuals affected with the associated recessive disease, as either homozygous or compound heterozygous with a second variant (PMID: 32531858). Given the available evidence, this variant is classified as Pathogenic.

Baylor Genetics
Classification: Pathogenic for Retinitis pigmentosa 39. Last evaluated: 2024-03-23. Review status: criteria provided, single submitter. Criteria: ACMG Guidelines, 2015. Collection method: clinical testing. Allele origin: unknown.

GeneDx
Classification: Pathogenic. Last evaluated: 2024-02-16. Review status: criteria provided, single submitter. Criteria: GeneDx Variant Classification Process June 2021. Collection method: clinical testing. Allele origin: germline. Affected: yes.
Comment: Observed multiple times with a pathogenic variant in unrelated patients with retinitis pigmentosa or Usher syndrome in published literature, but it is not known whether the variants occurred on the same (in cis) or on different (in trans) chromosomes in some cases (PMID: 37217489, 18641288, 28944237, 34781295); Nonsense variant predicted to result in protein truncation or nonsense mediated decay in a gene for which loss-of-function is a known mechanism of disease; Not observed at significant frequency in large population cohorts (gnomAD); This variant is associated with the following publications: (PMID: 25525159, 31266775, 28944237, 20507924, 33576794, 27460420, 31964843, 32531858, 35457016, 32037395, 37217489, 18641288, 34781295)

Genome-Nilou Lab
Classification: Pathogenic for Retinitis pigmentosa 39. Last evaluated: 2023-11-04. Review status: criteria provided, single submitter. Criteria: ACMG Guidelines, 2015. Collection method: clinical testing. Allele origin: germline. Affected: no.

Genome-Nilou Lab
Classification: Pathogenic for Usher syndrome type 2A. Last evaluated: 2023-11-04. Review status: criteria provided, single submitter. Criteria: ACMG Guidelines, 2015. Collection method: clinical testing. Allele origin: germline. Affected: no.

Institute of Human Genetics, Univ. Regensburg, Univ. Regensburg
Classification: Pathogenic for Retinal dystrophy. Last evaluated: 2023-01-01. Review status: criteria provided, single submitter. Criteria: ACMG Guidelines, 2015. Collection method: clinical testing. Allele origin: germline. Affected: yes.

Counsyl
Classification: Pathogenic for Usher syndrome type 2A; Retinitis pigmentosa 39. Last evaluated: 2018-04-06. Review status: no assertion criteria provided. Collection method: clinical testing. Allele origin: unknown. Not counted in ClinVar's aggregate classification.

Literature cited by the submitters: PubMed 10729113 (cited by Labcorp Genetics (formerly Invitae), Labcorp); PubMed 10909849 (cited by Labcorp Genetics (formerly Invitae), Labcorp); PubMed 20507924 (cited by Labcorp Genetics (formerly Invitae), Labcorp and Institute of Human Genetics, Univ. Regensburg, Univ. Regensburg); PubMed 25649381 (cited by Labcorp Genetics (formerly Invitae), Labcorp); PubMed 31266775 (cited by Labcorp Genetics (formerly Invitae), Labcorp and Institute of Human Genetics, Univ. Regensburg, Univ. Regensburg); PubMed 33576794 (cited by Labcorp Genetics (formerly Invitae), Labcorp and Institute of Human Genetics, Univ. Regensburg, Univ. Regensburg); PubMed 32531858 (cited by Natera, Inc. and Institute of Human Genetics, Univ. Regensburg, Univ. Regensburg); PubMed 25525159 (cited by Institute of Human Genetics, Univ. Regensburg, Univ. Regensburg and Counsyl); PubMed 31964843 (cited by Institute of Human Genetics, Univ. Regensburg, Univ. Regensburg); PubMed 32037395 (cited by Institute of Human Genetics, Univ. Regensburg, Univ. Regensburg); PubMed 34781295 (cited by Institute of Human Genetics, Univ. Regensburg, Univ. Regensburg); PubMed 27460420 (cited by Counsyl).

NM_206933.4(USH2A):c.8834G>A (p.Trp2945Ter)

Gene: USH2A (usherin; minus strand). Cytogenetic location: 1q41.
Variant type: single nucleotide variant.
Coding change: c.8834G>A on transcript NM_206933.4 (MANE Select); coding-DNA position 8834, G replaced by A.
Protein change: p.Trp2945Ter; replaces tryptophan 2945 with a stop codon.
Molecular consequence: nonsense.
Genome position (GRCh38, 1-based): chr1:215,867,018, C>T on the plus strand (G>A on the coding strand, the complement: USH2A is on the minus strand). VCF-style: chr1-215867018-C-T. GRCh37 (hg19) VCF-style: chr1-216040360-C-T.
Other names: short protein forms W2945*.
Identifiers: ClinVar variation 557801 (VCV000557801.14), dbSNP rs760302201, ClinGen allele CA1394494.